The following is an entry in ClinVar:

ClinVar aggregate classification (germline): Likely benign. Review status: criteria provided, multiple submitters, no conflicts (2 of 4 stars). 3 submissions from 3 submitters: Likely benign (2). 1 of the submissions does not count toward it. Last evaluated 2023-12-19.

Conditions:
AHI1-related disorder. Also called: AHI1-related condition.
Joubert syndrome. Also called: Familial aplasia of the vermis; JOUBERT-BOLTSHAUSER SYNDROME. Identifiers: Orphanet 475, MedGen C5979921, MONDO:0018772.

Submissions (3):

Blueprint Genetics
Classification: Likely benign. Last evaluated: 2023-12-19. Review status: criteria provided, single submitter. Criteria: ACMG Guidelines, 2015. Collection method: clinical testing. Allele origin: germline.

Labcorp Genetics (formerly Invitae), Labcorp
Classification: Likely benign for Joubert syndrome. Last evaluated: 2023-07-25. Review status: criteria provided, single submitter. Criteria: Invitae Variant Classification Sherloc (09022015). Collection method: clinical testing. Allele origin: germline.

PreventionGenetics, part of Exact Sciences
Classification: Likely benign for AHI1-related condition. Last evaluated: 2019-05-20. Review status: no assertion criteria provided. Collection method: clinical testing. Allele origin: germline. Not counted in ClinVar's aggregate classification.
Comment: This variant is classified as likely benign based on ACMG/AMP sequence variant interpretation guidelines (Richards et al. 2015 PMID: 25741868, with internal and published modifications).

NM_001134831.2(AHI1):c.2373+10C>A

Gene: AHI1 (Abelson helper integration site 1; minus strand). Cytogenetic location: 6q23.3.
Variant type: single nucleotide variant.
Coding change: c.2373+10C>A on transcript NM_001134831.2 (MANE Select); 10 bases into the intron after coding-DNA position 2373, C replaced by A.
Molecular consequence: intron variant.
Genome position (GRCh38, 1-based): chr6:135,431,198, G>T on the plus strand (C>A on the coding strand, the complement: AHI1 is on the minus strand). VCF-style: chr6-135431198-G-T. GRCh37 (hg19) VCF-style: chr6-135752336-G-T.
Other names: c.2373+10C>A (NM_001134830.2, NM_001350503.2, NM_017651.5 and 3 more transcripts).
Identifiers: ClinVar variation 1136954 (VCV001136954.12), dbSNP rs2128016462, ClinGen allele CA2499218111.